The following is an entry in ClinVar:

NM_015557.3(CHD5):c.1687G>C (p.Gly563Arg)

Gene: CHD5 (chromodomain helicase DNA binding protein 5; minus strand). Cytogenetic location: 1p36.31.
Variant type: single nucleotide variant.
Coding change: c.1687G>C on transcript NM_015557.3 (MANE Select); coding-DNA position 1687, G replaced by C.
Protein change: p.Gly563Arg; replaces glycine 563 with arginine.
Molecular consequence: missense variant.
Genome position (GRCh38, 1-based): chr1:6,146,327, C>G on the plus strand (G>C on the coding strand, the complement: CHD5 is on the minus strand). VCF-style: chr1-6146327-C-G. GRCh37 (hg19) VCF-style: chr1-6206387-C-G.
Other names: c.1687G>C (NM_015557.2); short protein forms G563R.
Identifiers: ClinVar variation 3770822 (VCV003770822.15).

ClinVar aggregate classification (germline): Benign/Likely benign. Review status: criteria provided, multiple submitters, no conflicts (2 of 4 stars). 3 submissions from 3 submitters: Benign (1); Likely benign (2). Last evaluated 2026-09-01.

Conditions:
CHD5-related disorder. Also called: CHD5-related condition.

gnomAD v4.1: 1,248 of 1,614,154 alleles (0.077%); highest among the groups gnomAD compares: Admixed American, 0.15%; 1 homozygote.

Submissions (3):

CeGaT Center for Human Genetics Tuebingen
Classification: Likely benign. Last evaluated: 2026-09-01. Review status: criteria provided, single submitter. Criteria: CeGaT Center For Human Genetics Tuebingen Variant Classification Criteria Version 2. Collection method: clinical testing. Allele origin: germline. Affected: yes. Observed: 5 variant alleles.
Comment: CHD5: BP4, BS1

PreventionGenetics, part of Exact Sciences
Classification: Benign for CHD5-related condition. Last evaluated: 2025-01-04. Review status: criteria provided, single submitter. Criteria: ACMG Guidelines, 2015. Collection method: clinical testing. Allele origin: germline.
Comment: This variant is classified as benign based on ACMG/AMP sequence variant interpretation guidelines (Richards et al. 2015 PMID: 25741868, with internal and published modifications).

Blueprint Genetics
Classification: Likely benign. Last evaluated: 2024-11-22. Review status: criteria provided, single submitter. Criteria: ACMG Guidelines, 2015. Collection method: clinical testing. Allele origin: germline.